The following is an entry in ClinVar:

NM_000038.6(APC):c.353T>G (p.Phe118Cys)

Gene: APC (APC regulator of Wnt signaling pathway; plus strand). Cytogenetic location: 5q22.2.
Variant type: single nucleotide variant.
Coding change: c.353T>G on transcript NM_000038.6 (MANE Select); coding-DNA position 353, T replaced by G.
Protein change: p.Phe118Cys; replaces phenylalanine 118 with cysteine.
Molecular consequence: missense variant. On other transcripts: 5 prime UTR variant (1).
Genome position (GRCh38, 1-based): chr5:112,767,321, T>G. VCF-style: chr5-112767321-T-G. GRCh37 (hg19) VCF-style: chr5-112103018-T-G.
Other names: c.353T>G (NM_000038.5); c.353T>G, p.Phe118Cys (NM_001127510.3, NM_001354895.2, NM_001354896.2 and 2 more transcripts); c.383T>G, p.Phe128Cys (NM_001127511.3, NM_001354897.2, NM_001354902.2); c.278T>G, p.Phe93Cys (NM_001354898.2, NM_001354904.2); c.176T>G, p.Phe59Cys (NM_001354900.2, NM_001354901.2, NM_001354905.2); c.-683T>G (NM_001354906.2); short protein forms F118C, F128C, F59C, F93C.
Identifiers: ClinVar variation 1023136 (VCV001023136.11), dbSNP rs1756464913, ClinGen allele CA16022094.
Genomic context (GRCh38, chr5:112,767,321, plus strand): 5'-GCCGGGAAGGATCTGTATCAAGCCGTTCTGGAGAGTGCAGTCCTGTTCCTATGGGTTCAT[T>G]TCCAAGAAGAGGGTTTGTAAATGGAAGCAGAGAAAGTACTGGATATTTAGAAGAACTTGA-3'
Protein context (NP_000029.2, residues 108-128): GECSPVPMGS[Phe118Cys]PRRGFVNGSR

ClinVar aggregate classification (germline): Uncertain significance. Review status: criteria provided, multiple submitters, no conflicts (2 of 4 stars). 2 submissions from 2 submitters: Uncertain significance (2). Last evaluated 2025-03-13.

Conditions:
Hereditary cancer-predisposing syndrome. Also called: Hereditary Cancer Syndrome; Neoplastic Syndromes, Hereditary; Tumor predisposition; Hereditary neoplastic syndrome. Identifiers: Orphanet 140162, MedGen C0027672, MeSH D009386, MONDO:0015356.
Familial adenomatous polyposis 1 (FAP1). Also called: POLYPOSIS, ADENOMATOUS INTESTINAL; FAMILIAL ADENOMATOUS POLYPOSIS 1, ATTENUATED. Identifiers: MedGen C2713442, MONDO:0021056, OMIM 175100. Disease mechanism: loss of function.

Allele frequency attached by ClinVar (database versions not stated): gnomAD exomes below 0.00001.
gnomAD v4.1: 1 of 1,614,142 alleles (0.000062%); no homozygotes.

Submissions (2):

Ambry Genetics
Classification: Uncertain significance for Hereditary cancer-predisposing syndrome. Last evaluated: 2025-03-13. Review status: criteria provided, single submitter. Criteria: Ambry Variant Classification Scheme 2023. Collection method: clinical testing. Allele origin: germline.
Comment: The p.F118C variant (also known as c.353T>G), located in coding exon 3 of the APC gene, results from a T to G substitution at nucleotide position 353. The phenylalanine at codon 118 is replaced by cysteine, an amino acid with highly dissimilar properties. This amino acid position is well conserved in available vertebrate species. In addition, in silico predictors for this gene do not accurately predict pathogenicity. Missense alterations in APC are not a common cause of disease (Spier I et al. Genet Med. 2024 Feb;26(2):100992). Based on the available evidence, the clinical significance of this variant remains unclear.

Labcorp Genetics (formerly Invitae), Labcorp
Classification: Uncertain significance for Familial adenomatous polyposis 1. Last evaluated: 2023-09-26. Review status: criteria provided, single submitter. Criteria: Invitae Variant Classification Sherloc (09022015). Collection method: clinical testing. Allele origin: germline.
Comment: This variant has not been reported in the literature in individuals affected with APC-related conditions. This variant is not present in population databases (gnomAD no frequency). This sequence change replaces phenylalanine, which is neutral and non-polar, with cysteine, which is neutral and slightly polar, at codon 118 of the APC protein (p.Phe118Cys). ClinVar contains an entry for this variant (Variation ID: 1023136). In summary, the available evidence is currently insufficient to determine the role of this variant in disease. Therefore, it has been classified as a Variant of Uncertain Significance. Advanced modeling of protein sequence and biophysical properties (such as structural, functional, and spatial information, amino acid conservation, physicochemical variation, residue mobility, and thermodynamic stability) performed at Invitae indicates that this missense variant is not expected to disrupt APC protein function.